The following is an entry in ClinVar:

NM_000843.4(GRM6):c.1943C>T (p.Ala648Val)

Genes: GRM6 (glutamate metabotropic receptor 6; minus strand), ZNF454 (zinc finger protein 454; plus strand). Cytogenetic location: 5q35.3.
Variant type: single nucleotide variant.
Coding change: c.1943C>T on transcript NM_000843.4 (MANE Select); coding-DNA position 1943, C replaced by T.
Protein change: p.Ala648Val; replaces alanine 648 with valine.
Molecular consequence: missense variant.
Genome position (GRCh38, 1-based): chr5:178,986,311, G>A on the plus strand (C>T on the coding strand, the complement: GRM6 is on the minus strand). VCF-style: chr5-178986311-G-A. GRCh37 (hg19) VCF-style: chr5-178413312-G-A.
Other names: short protein forms A648V.
Identifiers: ClinVar variation 733448 (VCV000733448.14), dbSNP rs61733863, ClinGen allele CA3593881.

ClinVar aggregate classification (germline): Conflicting classifications of pathogenicity. Review status: criteria provided, conflicting classifications (1 of 4 stars). 3 submissions from 3 submitters: Uncertain significance (1); Likely benign (2). Last evaluated 2025-12-24.

Allele frequency attached by ClinVar (database versions not stated): gnomAD exomes 0.00025 and 0.00031; ExAC 0.00031; gnomAD 0.00047 and 0.00048; ESP Exome Variant Server 0.00054; TOPMed 0.00058; 1000 Genomes Project 0.00060; 1000 Genomes Project 30x 0.00078.
gnomAD v4.1: 436 of 1,613,998 alleles (0.027%); highest among the groups gnomAD compares: African/African-American, 0.12%; 2 homozygotes.

Submissions (3):

Labcorp Genetics (formerly Invitae), Labcorp
Classification: Likely benign. Last evaluated: 2025-12-24. Review status: criteria provided, single submitter. Criteria: Invitae Variant Classification Sherloc (09022015). Collection method: clinical testing. Allele origin: germline.

Blueprint Genetics
Classification: Likely benign. Last evaluated: 2024-08-30. Review status: criteria provided, single submitter. Criteria: ACMG Guidelines, 2015. Collection method: clinical testing. Allele origin: germline.

GeneDx
Classification: Uncertain significance. Last evaluated: 2019-09-05. Review status: criteria provided, single submitter. Criteria: GeneDx Variant Classification Process June 2021. Collection method: clinical testing. Allele origin: germline. Affected: yes.
Comment: In silico analysis, which includes protein predictors and evolutionary conservation, supports that this variant does not alter protein structure/function; Has not been previously published as pathogenic or benign to our knowledge